The following is an entry in ClinVar:

ClinVar aggregate classification (germline): Pathogenic (1 of 4 stars; one submission).

Conditions:
Pontocerebellar hypoplasia type 1B. Also called: EXOSC3 Pontocerebellar Hypoplasia. Identifiers: Orphanet 2254, MedGen C3553449, MONDO:0013853, OMIM 614678.

Submission:

Labcorp Genetics (formerly Invitae), Labcorp
Classification: Pathogenic for Pontocerebellar hypoplasia type 1B. Last evaluated: 2023-05-21. Review status: criteria provided, single submitter. Criteria: Invitae Variant Classification Sherloc (09022015). Collection method: clinical testing. Allele origin: germline.
Comment: For these reasons, this variant has been classified as Pathogenic. This variant has not been reported in the literature in individuals affected with EXOSC3-related conditions. The frequency data for this variant in the population databases is considered unreliable, as metrics indicate poor data quality at this position in the gnomAD database. This sequence change creates a premature translational stop signal (p.Gly44Alafs*10) in the EXOSC3 gene. It is expected to result in an absent or disrupted protein product. Loss-of-function variants in EXOSC3 are known to be pathogenic (PMID: 22544365, 23284067, 24524299).

Literature cited by the submitters: PubMed 22544365; PubMed 23284067; PubMed 24524299.

NM_016042.4(EXOSC3):c.129del (p.Gly44fs)

Gene: EXOSC3 (exosome component 3; minus strand). Cytogenetic location: 9p13.2.
Variant type: Deletion.
Coding change: c.129del on transcript NM_016042.4 (MANE Select); coding-DNA position 129, one base deleted (A; older notation c.129delA).
Protein change: p.Gly44fs; shifts the reading frame from glycine 44.
Molecular consequence: frameshift variant.
Genome position (GRCh38, 1-based): chr9:37,784,916, T deleted on the plus strand (A on the coding strand, the reverse complement: EXOSC3 is on the minus strand); the first of 2 consecutive T bases (chr9:37,784,916-37,784,917); deleting either gives the same sequence. VCF-style (leftmost placement, unchanged base first): chr9-37784915-CT-C. GRCh37 (hg19) VCF-style: chr9-37784912-CT-C.
Other names: c.129del, p.Gly44fs (NM_001002269.2); short protein forms G44fs.
Identifiers: ClinVar variation 2866577 (VCV002866577.3), dbSNP rs758899003, ClinGen allele CA5062851.
Genomic context (GRCh38, chr9:37,784,915, plus strand): 5'-GCACCCGCGAGCACGCTCTAGCATTCAGGCTCAACGGTCGCTCCACTGCACCCCCAGGGC[CT>C]TCCGCGTCCTCCTGTTCCGGCAGGAGCAGCTCCTCACCCGGGAGCACCACCTGACCTAGT-3'